The following is an entry in ClinVar:

ClinVar aggregate classification (germline): Conflicting classifications of pathogenicity. Review status: criteria provided, conflicting classifications (1 of 4 stars). 6 submissions from 6 submitters: Likely pathogenic (2); Uncertain significance (4). Last evaluated 2025-06-24.

Conditions:
Gnathodiaphyseal dysplasia (GDD). Also called: GNATHODIAPHYSEAL SCLEROSIS; OSTEOGENESIS IMPERFECTA WITH UNUSUAL SKELETAL LESIONS. Identifiers: Orphanet 53697, MedGen C1833736, MONDO:0008151, OMIM 166260.
Autosomal recessive limb-girdle muscular dystrophy type 2L (LGMDR12). Also called: Limb-girdle muscular dystrophy, type 2L; MUSCULAR DYSTROPHY, LIMB-GIRDLE, AUTOSOMAL RECESSIVE 12; Limb-Girdle Muscular Dystrophy R12 Anoctamin-5-Related (LGMD-R12). Identifiers: Orphanet 206549, MedGen C1969785, MONDO:0012652, OMIM 611307.
Miyoshi muscular dystrophy 3 (MMD3). Also called: Miyoshi myopathy 3; Miyoshi Muscular Dystrophy 3 (MMD3). Identifiers: Orphanet 399096, MedGen C2750076, MONDO:0013222, OMIM 613319.

Allele frequency attached by ClinVar (database versions not stated): gnomAD exomes below 0.00001; gnomAD 0.00001; TOPMed 0.00001.

Submissions (6):

Women's Health and Genetics/Laboratory Corporation of America, LabCorp
Classification: Uncertain significance. Last evaluated: 2025-06-24. Review status: criteria provided, single submitter. Criteria: LabCorp Variant Classification Summary - May 2015. Collection method: clinical testing. Allele origin: germline.
Comment: Variant summary: ANO5 c.2117G>A (p.Arg706Gln) results in a conservative amino acid change located in the Anoctamin, transmembrane domain (IPR049452) of the encoded protein sequence. Algorithms developed to predict the effect of missense changes on protein structure and function are either unavailable or do not agree on the potential impact of this missense change. The variant allele was found at a frequency of 4e-06 in 251418 control chromosomes. The available data on variant occurrences in the general population are insufficient to allow any conclusion about variant significance. These data do not allow any conclusion about variant significance. To our knowledge, no experimental evidence demonstrating an impact on protein function has been reported. ClinVar contains an entry for this variant (Variation ID: 536730). Based on the evidence outlined above, the variant was classified as uncertain significance.

Labcorp Genetics (formerly Invitae), Labcorp
Classification: Likely pathogenic for Autosomal recessive limb-girdle muscular dystrophy type 2L; Gnathodiaphyseal dysplasia. Last evaluated: 2025-03-22. Review status: criteria provided, single submitter. Criteria: Invitae Variant Classification Sherloc (09022015). Collection method: clinical testing. Allele origin: germline.
Comment: This sequence change replaces arginine, which is basic and polar, with glutamine, which is neutral and polar, at codon 706 of the ANO5 protein (p.Arg706Gln). This variant is present in population databases (no rsID available, gnomAD 0.003%). This missense change has been observed in individual(s) with clinical features of autosomal recessive ANO5-related conditions (internal data). In at least one individual the data is consistent with being in trans (on the opposite chromosome) from a pathogenic variant. ClinVar contains an entry for this variant (Variation ID: 536730). Invitae Evidence Modeling of protein sequence and biophysical properties (such as structural, functional, and spatial information, amino acid conservation, physicochemical variation, residue mobility, and thermodynamic stability) indicates that this missense variant is expected to disrupt ANO5 protein function with a positive predictive value of 95%. In summary, the currently available evidence indicates that the variant is pathogenic, but additional data are needed to prove that conclusively. Therefore, this variant has been classified as Likely Pathogenic.

Fulgent Genetics
Classification: Likely pathogenic for Gnathodiaphyseal dysplasia; Autosomal recessive limb-girdle muscular dystrophy type 2L; Miyoshi muscular dystrophy 3. Last evaluated: 2024-04-12. Review status: criteria provided, single submitter. Criteria: ACMG Guidelines, 2015. Collection method: clinical testing. Allele origin: germline.

Revvity Omics, Revvity
Classification: Uncertain significance. Last evaluated: 2023-10-18. Review status: criteria provided, single submitter. Criteria: ACMG Guidelines, 2015. Collection method: clinical testing. Allele origin: germline.

CeGaT Center for Human Genetics Tuebingen
Classification: Uncertain significance. Last evaluated: 2019-03-01. Review status: criteria provided, single submitter. Criteria: CeGaT Center For Human Genetics Tuebingen Variant Classification Criteria Version 2. Collection method: clinical testing. Allele origin: germline. Affected: yes. Observed: 1 variant allele.

Eurofins Ntd Llc (ga)
Classification: Uncertain significance. Last evaluated: 2017-10-09. Review status: criteria provided, single submitter. Criteria: EGL Classification Definitions 2015. Collection method: clinical testing. Allele origin: germline. Observed: 1 variant allele, 1 heterozygote.

NM_213599.3(ANO5):c.2117G>A (p.Arg706Gln)

Gene: ANO5 (anoctamin 5; plus strand). Cytogenetic location: 11p14.3.
Variant type: single nucleotide variant.
Coding change: c.2117G>A on transcript NM_213599.3 (MANE Select); coding-DNA position 2117, G replaced by A.
Protein change: p.Arg706Gln; replaces arginine 706 with glutamine.
Molecular consequence: missense variant.
Genome position (GRCh38, 1-based): chr11:22,272,871, G>A. VCF-style: chr11-22272871-G-A. GRCh37 (hg19) VCF-style: chr11-22294417-G-A.
Other names: c.2114G>A, p.Arg705Gln (NM_001142649.2); short protein forms R706Q, R705Q.
Identifiers: ClinVar variation 536730 (VCV000536730.56), dbSNP rs926233739, ClinGen allele CA218775842.